The following is an entry in ClinVar:

NM_000052.7(ATP7A):c.3499G>A (p.Ala1167Thr)

Gene: ATP7A (ATPase copper transporting alpha; plus strand). Cytogenetic location: Xq21.1.
Variant type: single nucleotide variant.
Coding change: c.3499G>A on transcript NM_000052.7 (MANE Select); coding-DNA position 3499, G replaced by A.
Protein change: p.Ala1167Thr; replaces alanine 1167 with threonine.
Molecular consequence: missense variant. On other transcripts: non-coding transcript variant (1).
Genome position (GRCh38, 1-based): chrX:78,033,809, G>A. VCF-style: chrX-78033809-G-A. GRCh37 (hg19) VCF-style: chrX-77289307-G-A.
Other names: c.3265G>A, p.Ala1089Thr (NM_001282224.2); short protein forms A1167T, A1089T.
Identifiers: ClinVar variation 4788373 (VCV004788373.1).

ClinVar aggregate classification (germline): Uncertain significance (1 of 4 stars; one submission).

Conditions:
Menkes kinky-hair syndrome (MNK). Also called: Menkes Disease; Copper transport disease; Classic Menkes Disease. Identifiers: Orphanet 565, MedGen C0022716, MONDO:0010651, OMIM 309400.
Cutis laxa, X-linked (OHS). Also called: EDS IX; Occipital horn syndrome. Identifiers: Orphanet 198, MedGen C0268353, MONDO:0010572, OMIM 304150.
X-linked distal spinal muscular atrophy type 3. Also called: ATP7A-Related Distal Motor Neuropathy; SPINAL MUSCULAR ATROPHY, DISTAL, X-LINKED RECESSIVE; NEURONOPATHY, DISTAL HEREDITARY MOTOR, X-LINKED; NEUROPATHY, DISTAL HEREDITARY MOTOR, X-LINKED. Identifiers: Orphanet 139557, MedGen C1845359, MONDO:0010338, OMIM 300489.

gnomAD v4.1: 6 of 1,208,298 alleles (0.0005%); highest among the groups gnomAD compares: South Asian, 0.0088%; no homozygotes.

Submission:

Labcorp Genetics (formerly Invitae), Labcorp
Classification: Uncertain significance for X-linked distal spinal muscular atrophy type 3; Cutis laxa, X-linked; Menkes kinky-hair syndrome. Last evaluated: 2025-03-30. Review status: criteria provided, single submitter. Criteria: Invitae Variant Classification Sherloc (09022015). Collection method: clinical testing. Allele origin: germline.
Comment: This sequence change replaces alanine, which is neutral and non-polar, with threonine, which is neutral and polar, at codon 1167 of the ATP7A protein (p.Ala1167Thr). This variant is not present in population databases (gnomAD no frequency). This variant has not been reported in the literature in individuals affected with ATP7A-related conditions. Invitae Evidence Modeling of protein sequence and biophysical properties (such as structural, functional, and spatial information, amino acid conservation, physicochemical variation, residue mobility, and thermodynamic stability) indicates that this missense variant is not expected to disrupt ATP7A protein function with a negative predictive value of 95%. In summary, the available evidence is currently insufficient to determine the role of this variant in disease. Therefore, it has been classified as a Variant of Uncertain Significance.